The following is an entry in ClinVar:

NM_007103.4(NDUFV1):c.1090G>T (p.Val364Leu)

Genes: NDUFV1 (NADH:ubiquinone oxidoreductase core subunit V1; plus strand), LOC126861242 (CDK7 strongly-dependent group 2 enhancer GRCh37_chr11:67379204-67380403; plus strand). Cytogenetic location: 11q13.2.
Variant type: single nucleotide variant.
Coding change: c.1090G>T on transcript NM_007103.4 (MANE Select); coding-DNA position 1090, G replaced by T.
Protein change: p.Val364Leu; replaces valine 364 with leucine.
Molecular consequence: missense variant.
Genome position (GRCh38, 1-based): chr11:67,611,906, G>T. VCF-style: chr11-67611906-G-T. GRCh37 (hg19) VCF-style: chr11-67379377-G-T.
Other names: c.1063G>T, p.Val355Leu (NM_001166102.2); c.1090G>T (NM_007103.3); short protein forms V355L, V364L.
Identifiers: ClinVar variation 2112188 (VCV002112188.2), dbSNP rs762490920, ClinGen allele CA381541358.

ClinVar aggregate classification (germline): Uncertain significance. Review status: criteria provided, multiple submitters, no conflicts (2 of 4 stars). 2 submissions from 2 submitters: Uncertain significance (2). Last evaluated 2024-08-26.

Conditions:
Inborn genetic diseases. Identifiers: MedGen C0950123, MeSH D030342.

Submissions (2):

Ambry Genetics
Classification: Uncertain significance for Inborn genetic diseases. Last evaluated: 2024-08-26. Review status: criteria provided, single submitter. Criteria: Ambry Variant Classification Scheme 2023. Collection method: clinical testing. Allele origin: germline.

Labcorp Genetics (formerly Invitae), Labcorp
Classification: Uncertain significance. Last evaluated: 2022-03-18. Review status: criteria provided, single submitter. Criteria: Invitae Variant Classification Sherloc (09022015). Collection method: clinical testing. Allele origin: germline.
Comment: This sequence change replaces valine, which is neutral and non-polar, with leucine, which is neutral and non-polar, at codon 364 of the NDUFV1 protein (p.Val364Leu). This variant is not present in population databases (gnomAD no frequency). This variant has not been reported in the literature in individuals affected with NDUFV1-related conditions. Algorithms developed to predict the effect of missense changes on protein structure and function are either unavailable or do not agree on the potential impact of this missense change (SIFT: "Deleterious"; PolyPhen-2: "Possibly Damaging"; Align-GVGD: "Class C0"). In summary, the available evidence is currently insufficient to determine the role of this variant in disease. Therefore, it has been classified as a Variant of Uncertain Significance.